The following is an entry in ClinVar:

ClinVar aggregate classification (germline): Uncertain significance (1 of 4 stars; one submission).

gnomAD v4.1: 13 of 1,614,096 alleles (0.00081%); highest among the groups gnomAD compares: Admixed American, 0.01%; no homozygotes.

Submission:

Labcorp Genetics (formerly Invitae), Labcorp
Classification: Uncertain significance. Last evaluated: 2024-02-11. Review status: criteria provided, single submitter. Criteria: Invitae Variant Classification Sherloc (09022015). Collection method: clinical testing. Allele origin: germline.
Comment: This sequence change replaces alanine, which is neutral and non-polar, with threonine, which is neutral and polar, at codon 117 of the EDNRA protein (p.Ala117Thr). This variant is present in population databases (rs374053080, gnomAD 0.01%). This variant has not been reported in the literature in individuals affected with EDNRA-related conditions. Advanced modeling of protein sequence and biophysical properties (such as structural, functional, and spatial information, amino acid conservation, physicochemical variation, residue mobility, and thermodynamic stability) performed at Invitae indicates that this missense variant is not expected to disrupt EDNRA protein function with a negative predictive value of 80%. In summary, the available evidence is currently insufficient to determine the role of this variant in disease. Therefore, it has been classified as a Variant of Uncertain Significance.

NM_001957.4(EDNRA):c.349G>A (p.Ala117Thr)

Gene: EDNRA (endothelin receptor type A; plus strand). Cytogenetic location: 4q31.22.
Variant type: single nucleotide variant.
Coding change: c.349G>A on transcript NM_001957.4 (MANE Select); coding-DNA position 349, G replaced by A.
Protein change: p.Ala117Thr; replaces alanine 117 with threonine.
Molecular consequence: missense variant. On other transcripts: non-coding transcript variant (1).
Genome position (GRCh38, 1-based): chr4:147,486,030, G>A. VCF-style: chr4-147486030-G-A. GRCh37 (hg19) VCF-style: chr4-148407182-G-A.
Other names: c.349G>A, p.Ala117Thr (NM_001166055.2, NM_001354797.2); short protein forms A117T.
Identifiers: ClinVar variation 3715057 (VCV003715057.2).